The following is an entry in ClinVar:

ClinVar aggregate classification (germline): Likely benign (1 of 4 stars; one submission).

gnomAD v4.1: 605 of 1,610,928 alleles (0.038%); highest among the groups gnomAD compares: Non-Finnish European, 0.047%; no homozygotes.

Submission:

CeGaT Center for Human Genetics Tuebingen
Classification: Likely benign. Last evaluated: 2026-09-01. Review status: criteria provided, single submitter. Criteria: CeGaT Center For Human Genetics Tuebingen Variant Classification Criteria Version 2. Collection method: clinical testing. Allele origin: germline. Affected: yes. Observed: 1 variant allele.
Comment: MYO1H: BP4, BP7

NM_001101421.4(MYO1H):c.2154A>G (p.Gln718=)

Gene: MYO1H (myosin IH; plus strand). Cytogenetic location: 12q24.11.
Variant type: single nucleotide variant.
Coding change: c.2154A>G on transcript NM_001101421.4 (MANE Select); coding-DNA position 2154, A replaced by G.
Protein change: p.Gln718=; no amino-acid change (glutamine 718 retained).
Molecular consequence: synonymous variant.
Genome position (GRCh38, 1-based): chr12:109,436,501, A>G. VCF-style: chr12-109436501-A-G. GRCh37 (hg19) VCF-style: chr12-109874306-A-G.
Identifiers: ClinVar variation 5040935 (VCV005040935.1).